The following is an entry in ClinVar:

NM_002834.5(PTPN11):c.1224+7A>T

Gene: PTPN11 (protein tyrosine phosphatase non-receptor type 11; plus strand). Cytogenetic location: 12q24.13.
Variant type: single nucleotide variant.
Coding change: c.1224+7A>T on transcript NM_002834.5 (MANE Select); 7 bases into the intron after coding-DNA position 1224, A replaced by T.
Molecular consequence: intron variant.
Genome position (GRCh38, 1-based): chr12:112,482,212, A>T. VCF-style: chr12-112482212-A-T. GRCh37 (hg19) VCF-style: chr12-112920016-A-T.
Other names: c.1224+7A>T (NM_001330437.2, NM_080601.3, NM_002834.4); c.1221+7A>T (NM_001374625.1).
Identifiers: ClinVar variation 1596999 (VCV001596999.9), dbSNP rs1222805966, ClinGen allele CA2063779523.
Genomic context (GRCh38, chr12:112,482,212, plus strand): 5'-AGCGCCGCTCATGACTATACGCTAAGAGAACTTAAACTTTCAAAGGTTGGACAAGTAAGT[A>T]TATTGTCGTATTCTAGAGACTTTGGGAACTGTTGATGGTGTGTAGGAATTCAGGGTCTTG-3'

ClinVar aggregate classification (germline): Conflicting classifications of pathogenicity. Review status: criteria provided, conflicting classifications (1 of 4 stars). 2 submissions from 2 submitters: Uncertain significance (1); Likely benign (1). Last evaluated 2026-06-28.

Conditions:
PTPN11-related disorder. Also called: PTPN11-Related Disorders.
RASopathy. Also called: Noonan spectrum disorder; rasopathies. Identifiers: Orphanet 536391, MedGen C5555857, MONDO:0021060.

Allele frequency attached by ClinVar (database versions not stated): gnomAD exomes below 0.00001.
gnomAD v4.1: 1 of 1,612,006 alleles (0.000062%); highest among the groups gnomAD compares: Non-Finnish European, 0.000085%; no homozygotes.

Submissions (2):

PreventionGenetics, part of Exact Sciences
Classification: Uncertain significance for PTPN11-related condition. Last evaluated: 2026-06-28. Review status: criteria provided, single submitter. Criteria: ACMG Guidelines, 2015. Collection method: clinical testing. Allele origin: germline.
Comment: The PTPN11 c.1224+7A>T variant is predicted to interfere with splicing. This variant is predicted to impact splicing based on splicing prediction programs (SpliceAI, Jaganathan et al. 2019. PubMed ID: 30661751). However, the use of computer prediction softwares is not equivalent to functional evidence. To our knowledge, this variant has not been reported in the literature. This variant is reported in 0.00088% of alleles in individuals of European (Non-Finnish) descent in gnomAD. At this time, the clinical significance of this variant is uncertain due to the absence of conclusive functional and genetic evidence.

Labcorp Genetics (formerly Invitae), Labcorp
Classification: Likely benign for RASopathy. Last evaluated: 2025-03-31. Review status: criteria provided, single submitter. Criteria: Invitae Variant Classification Sherloc (09022015). Collection method: clinical testing. Allele origin: germline.